The following is an entry in ClinVar:

NM_001292063.2(OTOG):c.1285C>T (p.Arg429Trp)

Gene: OTOG (otogelin; plus strand). Cytogenetic location: 11p15.1.
Variant type: single nucleotide variant.
Coding change: c.1285C>T on transcript NM_001292063.2 (MANE Select); coding-DNA position 1285, C replaced by T.
Protein change: p.Arg429Trp; replaces arginine 429 with tryptophan.
Molecular consequence: missense variant.
Genome position (GRCh38, 1-based): chr11:17,559,605, C>T. VCF-style: chr11-17559605-C-T. GRCh37 (hg19) VCF-style: chr11-17581152-C-T.
Other names: c.1321C>T, p.Arg441Trp (NM_001277269.2); short protein forms R441W, R429W.
Identifiers: ClinVar variation 227762 (VCV000227762.45), dbSNP rs199968574, ClinGen allele CA5905472.
Genomic context (GRCh38, chr11:17,559,605, plus strand): 5'-AAGGAGAAGGCCTTTACCTACAATGAGTGCATCGCCTGCTGCCCTGCCTCCTGCCATCCC[C>T]GGGCATCCTGTGTGGACAGTGAGATCGCCTGTGTGGACGGCTGCTATTGCCCCAATGGTA-3'
Protein context (NP_001278992.1, residues 419-439): IACCPASCHP[Arg429Trp]ASCVDSEIAC

ClinVar aggregate classification (germline): Likely benign. Review status: criteria provided, multiple submitters, no conflicts (2 of 4 stars). 7 submissions from 7 submitters: Likely benign (7). Last evaluated 2025-12-15.

Allele frequency attached by ClinVar (database versions not stated): gnomAD exomes 0.00043 and 0.00116; 1000 Genomes Project 30x 0.00078; 1000 Genomes Project 0.00120; ExAC 0.00150; gnomAD 0.00166; TOPMed 0.00252.
gnomAD v4.1: 977 of 1,550,880 alleles (0.063%); highest among the groups gnomAD compares: African/African-American, 0.6%; 3 homozygotes.

Submissions (7):

Labcorp Genetics (formerly Invitae), Labcorp
Classification: Likely benign. Last evaluated: 2025-12-15. Review status: criteria provided, single submitter. Criteria: Invitae Variant Classification Sherloc (09022015). Collection method: clinical testing. Allele origin: germline.

Blueprint Genetics
Classification: Likely benign. Last evaluated: 2024-07-11. Review status: criteria provided, single submitter. Criteria: ACMG Guidelines, 2015. Collection method: clinical testing. Allele origin: germline.

CeGaT Center for Human Genetics Tuebingen
Classification: Likely benign. Last evaluated: 2023-08-01. Review status: criteria provided, single submitter. Criteria: CeGaT Center For Human Genetics Tuebingen Variant Classification Criteria Version 2. Collection method: clinical testing. Allele origin: germline. Affected: yes. Observed: 3 variant alleles.
Comment: OTOG: BP4

GeneDx
Classification: Likely benign. Last evaluated: 2021-04-29. Review status: criteria provided, single submitter. Criteria: GeneDx Variant Classification Process June 2021. Collection method: clinical testing. Allele origin: germline. Affected: yes.

Eurofins Ntd Llc (ga)
Classification: Likely benign. Last evaluated: 2017-05-04. Review status: criteria provided, single submitter. Criteria: EGL Classification Definitions 2015. Collection method: clinical testing. Allele origin: germline. Observed: 1 variant allele, 1 heterozygote.

Laboratory for Molecular Medicine, Mass General Brigham Personalized Medicine
Classification: Likely benign. Last evaluated: 2015-05-03. Review status: criteria provided, single submitter. Criteria: LMM Criteria. Collection method: clinical testing. Allele origin: germline. Observed: 3 variant alleles.
Comment: p.Arg441Trp in exon 11 of OTOG: This variant is not expected to have clinical s ignificance because it has been identified in 0.7% (7/942) of African chromosome s and in 0.3% (18/5488) of European chromosomes by the Exome Aggregation Consort ium (ExAC; dbSNP rs199968574).

Breakthrough Genomics
Classification: Likely benign. Review status: criteria provided, single submitter. Criteria: ACMG Guidelines, 2015. Collection method: not provided. Allele origin: germline. Inheritance: Autosomal recessive inheritance. Affected: yes.